The following is an entry in ClinVar:

NM_005591.4(MRE11):c.1835T>G (p.Val612Gly)

Gene: MRE11 (MRE11 double strand break repair nuclease; minus strand). Cytogenetic location: 11q21.
Variant type: single nucleotide variant.
Coding change: c.1835T>G on transcript NM_005591.4 (MANE Select); coding-DNA position 1835, T replaced by G.
Protein change: p.Val612Gly; replaces valine 612 with glycine.
Molecular consequence: missense variant. On other transcripts: intron variant (1).
Genome position (GRCh38, 1-based): chr11:94,445,842, A>C on the plus strand (T>G on the coding strand, the complement: MRE11 is on the minus strand). VCF-style: chr11-94445842-A-C. GRCh37 (hg19) VCF-style: chr11-94179008-A-C.
Other names: c.1832T>G, p.Val611Gly (NM_001330347.2); c.1783+1377T>G (NM_005590.4); short protein forms V611G, V612G.
Identifiers: ClinVar variation 1799686 (VCV001799686.2), dbSNP rs2496280152, ClinGen allele CA382366536.

ClinVar aggregate classification (germline): Uncertain significance (1 of 4 stars; one submission).

Conditions:
Hereditary cancer-predisposing syndrome. Also called: Neoplastic Syndromes, Hereditary; Tumor predisposition; Hereditary Cancer Syndrome; Hereditary neoplastic syndrome. Identifiers: Orphanet 140162, MedGen C0027672, MeSH D009386, MONDO:0015356.

Submission:

Ambry Genetics
Classification: Uncertain significance for Hereditary cancer-predisposing syndrome. Last evaluated: 2016-09-19. Review status: criteria provided, single submitter. Criteria: Ambry Variant Classification Scheme 2023. Collection method: clinical testing. Allele origin: germline.
Comment: The p.V612G variant (also known as c.1835T>G), located in coding exon 15 of the MRE11A gene, results from a T to G substitution at nucleotide position 1835. The valine at codon 612 is replaced by glycine, an amino acid with dissimilar properties. This variant was not reported in population based cohorts in the following databases: Database of Single Nucleotide Polymorphisms (dbSNP), NHLBI Exome Sequencing Project (ESP), and 1000 Genomes Project. In the ESP, this variant was not observed in 6499 samples (12998 alleles) with coverage at this position. To date, this alteration has been detected with an allele frequency of approximately 0.001% (greater than 175000 alleles tested) in our clinical cohort. This amino acid position is not well conserved in available vertebrate species. In addition, this alteration is predicted to be tolerated by in silico analysis. Since supporting evidence is limited at this time, the clinical significance of this alteration remains unclear.